The following is an entry in ClinVar:

ClinVar aggregate classification (germline): Uncertain significance (1 of 4 stars; one submission).

Allele frequency attached by ClinVar (database versions not stated): gnomAD exomes 0.00001; ExAC 0.00001.
gnomAD v4.1: 7 of 1,612,920 alleles (0.00043%); highest among the groups gnomAD compares: Admixed American, 0.0017%; no homozygotes.

Submission:

GeneDx
Classification: Uncertain significance. Last evaluated: 2016-11-29. Review status: criteria provided, single submitter. Criteria: GeneDx Variant Classification (06012015). Collection method: clinical testing. Allele origin: germline. Affected: yes.
Comment: The A3383T variant in the RYR1 gene has not been reported previously as a pathogenic variant, nor as a benign variant, to our knowledge. The A3383T variant was not observed in approximately 6500 individuals of European and African American ancestry in the NHLBI Exome Sequencing Project, indicating it is not a common benign variant in these populations. The A3383T variant is a non-conservative amino acid substitution, which is likely to impact secondary protein structure as these residues differ in polarity, charge, size and/or other properties. This substitution occurs at a position that is conserved in mammals. In silico analysis is inconsistent in its predictions as to whether or not the variant is damaging to the protein structure/function. We interpret A3383T as a variant of uncertain significance.

NM_000540.3(RYR1):c.10147G>A (p.Ala3383Thr)

Gene: RYR1 (ryanodine receptor 1; plus strand). Cytogenetic location: 19q13.2.
Variant type: single nucleotide variant.
Coding change: c.10147G>A on transcript NM_000540.3 (MANE Select); coding-DNA position 10147, G replaced by A.
Protein change: p.Ala3383Thr; replaces alanine 3383 with threonine.
Molecular consequence: missense variant.
Genome position (GRCh38, 1-based): chr19:38,519,342, G>A. VCF-style: chr19-38519342-G-A. GRCh37 (hg19) VCF-style: chr19-39009982-G-A.
Other names: c.10147G>A, p.Ala3383Thr (NM_001042723.2); short protein forms A3383T.
Identifiers: ClinVar variation 373324 (VCV000373324.1), dbSNP rs747790775, ClinGen allele CA052437.
Genomic context (GRCh38, chr19:38,519,342, plus strand): 5'-GGGCGGCTGCGCAAGAGGGCAGGGAAGGTGGTGTCCGAGGAGGAGCAGCTGCGCCTGGAG[G>A]CCAAGGCGGAGGCCCAGGAGGGCGAGCTGCTGGTGCGGGACGAGTTCTCTGTGCTCTGCC-3'
Protein context (NP_000531.2, residues 3373-3393): VSEEEQLRLE[Ala3383Thr]KAEAQEGELL